The following is an entry in ClinVar:

NM_006030.4(CACNA2D2):c.2831A>C (p.Asn944Thr)

Genes: CACNA2D2 (calcium voltage-gated channel auxiliary subunit alpha2delta 2; minus strand), LOC127898564 (CYB561D2-LOC101928965; plus strand), LOC101928965 (uncharacterized LOC101928965; plus strand). Cytogenetic location: 3p21.31.
Variant type: single nucleotide variant.
Coding change: c.2831A>C on transcript NM_006030.4 (MANE Select); coding-DNA position 2831, A replaced by C.
Protein change: p.Asn944Thr; replaces asparagine 944 with threonine.
Molecular consequence: missense variant.
Genome position (GRCh38, 1-based): chr3:50,366,042, T>G on the plus strand (A>C on the coding strand, the complement: CACNA2D2 is on the minus strand). VCF-style: chr3-50366042-T-G. GRCh37 (hg19) VCF-style: chr3-50403473-T-G.
Other names: c.2831A>C, p.Asn944Thr (NM_001005505.3); c.2852A>C, p.Asn951Thr (NM_001174051.3); c.2624A>C, p.Asn875Thr (NM_001291101.1); short protein forms N951T, N944T, N875T.
Identifiers: ClinVar variation 578426 (VCV000578426.9), dbSNP rs745846272, ClinGen allele CA2418362.

ClinVar aggregate classification (germline): Uncertain significance (1 of 4 stars; one submission).

Conditions:
Early-infantile DEE. Also called: Early infantile epileptic encephalopathy with suppression bursts; Early infantile epileptic encephalopathy; Ohtahara syndrome. Identifiers: Orphanet 1934, MedGen C0393706, MONDO:0800491.

Allele frequency attached by ClinVar (database versions not stated): ExAC 0.00002.

Submission:

Labcorp Genetics (formerly Invitae), Labcorp
Classification: Uncertain significance for Early-infantile DEE. Last evaluated: 2019-05-08. Review status: criteria provided, single submitter. Criteria: Invitae Variant Classification Sherloc (09022015). Collection method: clinical testing. Allele origin: germline.
Comment: This sequence change replaces asparagine with threonine at codon 944 of the CACNA2D2 protein (p.Asn944Thr). The asparagine residue is moderately conserved and there is a small physicochemical difference between asparagine and threonine. This variant is present in population databases (rs745846272, ExAC 0.01%). This variant has not been reported in the literature in individuals with CACNA2D2-related disease. Algorithms developed to predict the effect of missense changes on protein structure and function (SIFT, PolyPhen-2, Align-GVGD) all suggest that this variant is likely to be tolerated, but these predictions have not been confirmed by published functional studies and their clinical significance is uncertain. In summary, the available evidence is currently insufficient to determine the role of this variant in disease. Therefore, it has been classified as a Variant of Uncertain Significance.